The following is an entry in ClinVar:

ClinVar aggregate classification (germline): Likely benign (1 of 4 stars; one submission).

Submission:

Women's Health and Genetics/Laboratory Corporation of America, LabCorp
Classification: Likely benign. Last evaluated: 2024-01-10. Review status: criteria provided, single submitter. Criteria: LabCorp Variant Classification Summary - May 2015. Collection method: clinical testing. Allele origin: germline.
Comment: Variant summary: CFTR c.1680-906_1680-905delGA is located at a position not widely known to affect splicing. Consensus agreement among computational tools predict no significant impact on normal splicing. However, these predictions have yet to be confirmed by functional studies. The variant was absent in 152022 control chromosomes (gnomAD v4). The available data on variant occurrences in the general population are insufficient to allow any conclusion about variant significance. To our knowledge, no occurrence of c.1680-906_1680-905delGA in individuals affected with Chronic Pancreatitis or other CFTR-related conditions and no experimental evidence demonstrating its impact on protein function have been reported. No submitters have cited clinical-significance assessments for this variant to ClinVar. Based on the evidence outlined above, the variant was classified as likely benign.

NM_000492.4(CFTR):c.1680-906_1680-905del

Genes: CFTR (CF transmembrane conductance regulator; plus strand), LOC111674475 (CFTR intron 11 enhancer; plus strand). Cytogenetic location: 7q31.2.
Variant type: Microsatellite.
Coding change: c.1680-906_1680-905del on transcript NM_000492.4 (MANE Select); 906 bases into the intron before coding-DNA position 1680 through 905 bases into the intron before coding-DNA position 1680, 2 bases deleted (GA; older notation c.1680-906_1680-905delGA).
Molecular consequence: intron variant.
Genome position (GRCh38, 1-based): chr7:117,589,447-117,589,448, GA deleted; deleting any 2 consecutive bases within chr7:117,589,444-117,589,448 gives the same sequence; the c. name uses the placement nearest the transcript's 3' end. VCF-style (leftmost placement, unchanged base first): chr7-117589443-CAG-C. GRCh37 (hg19) VCF-style: chr7-117229497-CAG-C.
Other names: c.1680-906_1680-905delGA (NM_000492.4).
Identifiers: ClinVar variation 3063828 (VCV003063828.1), dbSNP rs2116022875, ClinGen allele CA2603609305.
Genomic context (GRCh38, chr7:117,589,443, plus strand): 5'-TAATTGTGTGCTGAATACAATTTTCTTTATTACAGAAGTACCAACAATTACATGTATAAA[CAG>C]AGAATCCTATGTACTTGAGATATAAGTAAGGTTACTATCAATCACACCTGAAAAATTTAA-3'